The following is an entry in ClinVar:

NM_006019.4(TCIRG1):c.2164G>A (p.Glu722Lys)

Gene: TCIRG1 (T cell immune regulator 1, ATPase H+ transporting V0 subunit a3; plus strand). Cytogenetic location: 11q13.2.
Variant type: single nucleotide variant.
Coding change: c.2164G>A on transcript NM_006019.4 (MANE Select); coding-DNA position 2164, G replaced by A.
Protein change: p.Glu722Lys; replaces glutamic acid 722 with lysine.
Molecular consequence: missense variant.
Genome position (GRCh38, 1-based): chr11:68,050,182, G>A. VCF-style: chr11-68050182-G-A. GRCh37 (hg19) VCF-style: chr11-67817649-G-A.
Other names: c.1270G>A, p.Glu424Lys (NM_001351059.2); c.1516G>A, p.Glu506Lys (NM_006053.4); short protein forms E424K, E506K, E722K.
Identifiers: ClinVar variation 2147881 (VCV002147881.3), dbSNP rs148921764, ClinGen allele CA6147426.

ClinVar aggregate classification (germline): Uncertain significance (1 of 4 stars; one submission).

Allele frequency attached by ClinVar (database versions not stated): ExAC 0.00003; gnomAD 0.00006; TOPMed 0.00008; ESP Exome Variant Server 0.00031.
gnomAD v4.1: 38 of 1,613,578 alleles (0.0024%); highest among the groups gnomAD compares: Non-Finnish European, 0.0028%; no homozygotes.

Submission:

Labcorp Genetics (formerly Invitae), Labcorp
Classification: Uncertain significance. Last evaluated: 2024-06-25. Review status: criteria provided, single submitter. Criteria: Invitae Variant Classification Sherloc (09022015). Collection method: clinical testing. Allele origin: germline.
Comment: This sequence change replaces glutamic acid, which is acidic and polar, with lysine, which is basic and polar, at codon 722 of the TCIRG1 protein (p.Glu722Lys). This variant is present in population databases (rs148921764, gnomAD 0.004%). This variant has not been reported in the literature in individuals affected with TCIRG1-related conditions. ClinVar contains an entry for this variant (Variation ID: 2147881). Advanced modeling of protein sequence and biophysical properties (such as structural, functional, and spatial information, amino acid conservation, physicochemical variation, residue mobility, and thermodynamic stability) performed at Invitae indicates that this missense variant is expected to disrupt TCIRG1 protein function with a positive predictive value of 80%. In summary, the available evidence is currently insufficient to determine the role of this variant in disease. Therefore, it has been classified as a Variant of Uncertain Significance.